The following is an entry in ClinVar:

NM_006329.4(FBLN5):c.273G>A (p.Pro91=)

Gene: FBLN5 (fibulin 5; minus strand). Cytogenetic location: 14q32.12.
Variant type: single nucleotide variant.
Coding change: c.273G>A on transcript NM_006329.4 (MANE Select); coding-DNA position 273, G replaced by A.
Protein change: p.Pro91=; no amino-acid change (proline 91 retained).
Molecular consequence: synonymous variant.
Genome position (GRCh38, 1-based): chr14:91,937,053, C>T on the plus strand (G>A on the coding strand, the complement: FBLN5 is on the minus strand). VCF-style: chr14-91937053-C-T. GRCh37 (hg19) VCF-style: chr14-92403397-C-T.
Other names: c.396G>A, p.Pro132= (NM_001384158.1); c.324G>A, p.Pro108= (NM_001384159.1); c.273G>A, p.Pro91= (NM_001384160.1); c.105G>A, p.Pro35= (NM_001384161.1, NM_001384162.1).
Identifiers: ClinVar variation 887258 (VCV000887258.18), dbSNP rs368771780, ClinGen allele CA7312890.

ClinVar aggregate classification (germline): Conflicting classifications of pathogenicity. Review status: criteria provided, conflicting classifications (1 of 4 stars). 7 submissions from 6 submitters: Uncertain significance (1); Likely benign (5). 1 of the submissions does not count toward it. Last evaluated 2025-12-17.

Conditions:
FBLN5-related disorder. Also called: FBLN5-related condition.
Cutis laxa. Identifiers: Orphanet 209, MedGen C0010495, MONDO:0016175, HP:0000973.
Macular degeneration, age-related, 3 (ARMD3). Identifiers: Orphanet 280598, MedGen C1837187, MONDO:0012145, OMIM 608895.

Allele frequency attached by ClinVar (database versions not stated): gnomAD 0.00004; ExAC 0.00006; gnomAD exomes 0.00006 and 0.00007; TOPMed 0.00007; ESP Exome Variant Server 0.00008.
gnomAD v4.1: 88 of 1,613,734 alleles (0.0055%); highest among the groups gnomAD compares: Admixed American, 0.018%; no homozygotes.

Submissions (7):

Labcorp Genetics (formerly Invitae), Labcorp
Classification: Likely benign. Last evaluated: 2025-12-17. Review status: criteria provided, single submitter. Criteria: Invitae Variant Classification Sherloc (09022015). Collection method: clinical testing. Allele origin: germline.

Women's Health and Genetics/Laboratory Corporation of America, LabCorp
Classification: Likely benign. Last evaluated: 2025-12-16. Review status: criteria provided, single submitter. Criteria: LabCorp Variant Classification Summary - May 2015. Collection method: clinical testing. Allele origin: germline.

Blueprint Genetics
Classification: Likely benign. Last evaluated: 2024-02-23. Review status: criteria provided, single submitter. Criteria: ACMG Guidelines, 2015. Collection method: clinical testing. Allele origin: germline.

GeneDx
Classification: Likely benign. Last evaluated: 2021-02-11. Review status: criteria provided, single submitter. Criteria: GeneDx Variant Classification Process June 2021. Collection method: clinical testing. Allele origin: germline. Affected: yes.

Illumina Laboratory Services, Illumina
Classification: Likely benign for Cutis laxa. Last evaluated: 2018-01-13. Review status: criteria provided, single submitter. Criteria: ICSL Variant Classification Criteria 13 December 2019. Collection method: clinical testing. Allele origin: germline.
Comment: This variant was observed in the ICSL laboratory as part of a predisposition screen in an ostensibly healthy population. It had not been previously curated by ICSL or reported in the Human Gene Mutation Database (HGMD: prior to June 1st, 2018), and was therefore a candidate for classification through an automated scoring system. Utilizing variant allele frequency, disease prevalence and penetrance estimates, and inheritance mode, an automated score was calculated to assess if this variant is too frequent to cause the disease. Based on the score and internal cut-off values, a variant classified as likely benign is not then subjected to further curation. The score for this variant resulted in a classification of likely benign for this disease.

Illumina Laboratory Services, Illumina
Classification: Uncertain significance for Macular degeneration, age-related, 3. Last evaluated: 2018-01-13. Review status: criteria provided, single submitter. Criteria: ICSL Variant Classification Criteria 13 December 2019. Collection method: clinical testing. Allele origin: germline.

PreventionGenetics, part of Exact Sciences
Classification: Likely benign for FBLN5-related condition. Last evaluated: 2019-03-13. Review status: no assertion criteria provided. Collection method: clinical testing. Allele origin: germline. Not counted in ClinVar's aggregate classification.
Comment: This variant is classified as likely benign based on ACMG/AMP sequence variant interpretation guidelines (Richards et al. 2015 PMID: 25741868, with internal and published modifications).